The following is an entry in ClinVar:

NM_001080453.3(INTS1):c.712C>T (p.Arg238Trp)

Gene: INTS1 (integrator complex subunit 1; minus strand). Cytogenetic location: 7p22.3.
Variant type: single nucleotide variant.
Coding change: c.712C>T on transcript NM_001080453.3 (MANE Select); coding-DNA position 712, C replaced by T.
Protein change: p.Arg238Trp; replaces arginine 238 with tryptophan.
Molecular consequence: missense variant.
Genome position (GRCh38, 1-based): chr7:1,499,605, G>A on the plus strand (C>T on the coding strand, the complement: INTS1 is on the minus strand). VCF-style: chr7-1499605-G-A. GRCh37 (hg19) VCF-style: chr7-1539241-G-A.
Other names: short protein forms R238W.
Identifiers: ClinVar variation 2657218 (VCV002657218.25), dbSNP rs779446962, ClinGen allele CA4120661.
Genomic context (GRCh38, chr7:1,499,605, plus strand): 5'-TGAAGGCCGTCTGGATGTTGTCCACAAACGTCTTACAGTGAGGGCTGTCCACCCAGATCC[G>A]CTCCCCCAGGGAGTCCTCGATGTACACCTGTGTGGCAGCCACACCCTCAGCCCCGAGCCC-3'
Protein context (NP_001073922.2, residues 228-248): KVYIEDSLGE[Arg238Trp]IWVDSPHCKT

ClinVar aggregate classification (germline): Uncertain significance. Review status: criteria provided, multiple submitters, no conflicts (2 of 4 stars). 2 submissions from 2 submitters: Uncertain significance (2). Last evaluated 2023-12-21.

Allele frequency attached by ClinVar (database versions not stated): ExAC 0.00003; TOPMed 0.00003; gnomAD 0.00004; gnomAD exomes 0.00009.

Submissions (2):

Blueprint Genetics
Classification: Uncertain significance. Last evaluated: 2023-12-21. Review status: criteria provided, single submitter. Criteria: ACMG Guidelines, 2015. Collection method: clinical testing. Allele origin: germline.

CeGaT Center for Human Genetics Tuebingen
Classification: Uncertain significance. Last evaluated: 2023-08-01. Review status: criteria provided, single submitter. Criteria: CeGaT Center For Human Genetics Tuebingen Variant Classification Criteria Version 2. Collection method: clinical testing. Allele origin: germline. Affected: yes. Observed: 1 variant allele.
Comment: INTS1: PM2